The following is an entry in ClinVar:

ClinVar aggregate classification (germline): Uncertain significance. Review status: criteria provided, multiple submitters, no conflicts (2 of 4 stars). 2 submissions from 2 submitters: Uncertain significance (2). Last evaluated 2024-11-10.

Conditions:
Neurodegeneration with brain iron accumulation 6 (NBIA6). Also called: COASY protein-associated neurodegeneration. Identifiers: Orphanet 397725, MedGen C4517377, MONDO:0014290, OMIM 615643.

Allele frequency attached by ClinVar (database versions not stated): gnomAD exomes 0.00001.

Submissions (2):

Ambry Genetics
Classification: Uncertain significance. Last evaluated: 2024-11-10. Review status: criteria provided, single submitter. Criteria: Ambry Variant Classification Scheme 2023. Collection method: clinical testing. Allele origin: germline.

Labcorp Genetics (formerly Invitae), Labcorp
Classification: Uncertain significance for Neurodegeneration with brain iron accumulation 6. Last evaluated: 2024-08-05. Review status: criteria provided, single submitter. Criteria: Invitae Variant Classification Sherloc (09022015). Collection method: clinical testing. Allele origin: germline.
Comment: This sequence change replaces histidine, which is basic and polar, with arginine, which is basic and polar, at codon 539 of the COASY protein (p.His539Arg). This variant is present in population databases (rs747489929, gnomAD 0.03%). This variant has not been reported in the literature in individuals affected with COASY-related conditions. ClinVar contains an entry for this variant (Variation ID: 1449855). Advanced modeling of protein sequence and biophysical properties (such as structural, functional, and spatial information, amino acid conservation, physicochemical variation, residue mobility, and thermodynamic stability) performed at Invitae indicates that this missense variant is not expected to disrupt COASY protein function with a negative predictive value of 80%. In summary, the available evidence is currently insufficient to determine the role of this variant in disease. Therefore, it has been classified as a Variant of Uncertain Significance.

NM_025233.7(COASY):c.1616A>G (p.His539Arg)

Gene: COASY (Coenzyme A synthase; plus strand). Cytogenetic location: 17q21.2.
Variant type: single nucleotide variant.
Coding change: c.1616A>G on transcript NM_025233.7 (MANE Select); coding-DNA position 1616, A replaced by G.
Protein change: p.His539Arg; replaces histidine 539 with arginine.
Molecular consequence: missense variant.
Genome position (GRCh38, 1-based): chr17:42,565,789, A>G. VCF-style: chr17-42565789-A-G. GRCh37 (hg19) VCF-style: chr17-40717807-A-G.
Other names: c.1616A>G, p.His539Arg (NM_001042529.3); c.1703A>G, p.His568Arg (NM_001042532.4); c.1703A>G (NM_001042532.2); short protein forms H539R, H568R.
Identifiers: ClinVar variation 1449855 (VCV001449855.8), dbSNP rs747489929, ClinGen allele CA8578405.